The following is an entry in ClinVar:

NM_024675.4(PALB2):c.2208C>A (p.Ala736=)

Gene: PALB2 (partner and localizer of BRCA2; minus strand). Cytogenetic location: 16p12.2.
Variant type: single nucleotide variant.
Coding change: c.2208C>A on transcript NM_024675.4 (MANE Select); coding-DNA position 2208, C replaced by A.
Protein change: p.Ala736=; no amino-acid change (alanine 736 retained).
Molecular consequence: synonymous variant.
Genome position (GRCh38, 1-based): chr16:23,629,946, G>T on the plus strand (C>A on the coding strand, the complement: PALB2 is on the minus strand). VCF-style: chr16-23629946-G-T. GRCh37 (hg19) VCF-style: chr16-23641267-G-T.
Identifiers: ClinVar variation 185271 (VCV000185271.33), dbSNP rs369113809, ClinGen allele CA191494.

ClinVar aggregate classification (germline): Benign/Likely benign. Review status: criteria provided, multiple submitters, no conflicts (2 of 4 stars). 8 submissions from 8 submitters: Benign (2); Likely benign (5). 1 of the submissions does not count toward it. Last evaluated 2025-10-20.

Conditions:
Hereditary cancer-predisposing syndrome. Also called: Tumor predisposition; Neoplastic Syndromes, Hereditary; Hereditary Cancer Syndrome; Hereditary neoplastic syndrome. Identifiers: Orphanet 140162, MedGen C0027672, MeSH D009386, MONDO:0015356.
Familial cancer of breast. Also called: hereditary breast carcinoma; BREAST CANCER, FAMILIAL; Hereditary breast cancer. Identifiers: Orphanet 227535, MedGen C0346153, MONDO:0016419, OMIM 114480. Disease mechanism: loss of function.

Allele frequency attached by ClinVar (database versions not stated): gnomAD exomes 0.00001 and 0.00002; ExAC 0.00002; gnomAD 0.00003; ESP Exome Variant Server 0.00008.

Submissions (8):

Labcorp Genetics (formerly Invitae), Labcorp
Classification: Likely benign for Familial cancer of breast. Last evaluated: 2025-10-20. Review status: criteria provided, single submitter. Criteria: Invitae Variant Classification Sherloc (09022015). Collection method: clinical testing. Allele origin: germline.

Quest Diagnostics Nichols Institute San Juan Capistrano
Classification: Likely benign. Last evaluated: 2025-05-18. Review status: criteria provided, single submitter. Criteria: Quest Diagnostics criteria. Collection method: clinical testing. Allele origin: unknown.

CeGaT Center for Human Genetics Tuebingen
Classification: Likely benign. Last evaluated: 2025-05-01. Review status: criteria provided, single submitter. Criteria: CeGaT Center For Human Genetics Tuebingen Variant Classification Criteria Version 2. Collection method: clinical testing. Allele origin: germline. Affected: yes. Observed: 1 variant allele.
Comment: PALB2: BP4, BP7

Myriad Genetics, Inc.
Classification: Benign for Familial cancer of breast. Last evaluated: 2023-03-30. Review status: criteria provided, single submitter. Criteria: Myriad Autosomal Dominant, Autosomal Recessive and X-Linked Classification Criteria (2023). Collection method: clinical testing. Allele origin: unknown.
Comment: This variant is considered benign. This variant is a silent/synonymous amino acid change and it is not expected to impact splicing.

Color Diagnostics, LLC DBA Color Health
Classification: Likely benign for Hereditary cancer-predisposing syndrome. Last evaluated: 2016-06-20. Review status: criteria provided, single submitter. Criteria: ACMG Guidelines, 2015. Collection method: clinical testing. Allele origin: germline.

GeneDx
Classification: Benign. Last evaluated: 2015-09-03. Review status: criteria provided, single submitter. Criteria: GeneDx Variant Classification (06012015). Collection method: clinical testing. Allele origin: germline. Affected: yes.
Comment: This variant is considered likely benign or benign based on one or more of the following criteria: it is a conservative change, it occurs at a poorly conserved position in the protein, it is predicted to be benign by multiple in silico algorithms, and/or has population frequency not consistent with disease.

Ambry Genetics
Classification: Likely benign for Hereditary cancer-predisposing syndrome. Last evaluated: 2015-07-20. Review status: criteria provided, single submitter. Criteria: Ambry Variant Classification Scheme 2023. Collection method: clinical testing. Allele origin: germline.

Counsyl
Classification: Likely benign for Familial cancer of breast. Last evaluated: 2016-03-18. Review status: no assertion criteria provided. Collection method: clinical testing. Allele origin: unknown. Not counted in ClinVar's aggregate classification.